The following is an entry in ClinVar:

ClinVar aggregate classification (germline): Uncertain significance (1 of 4 stars; one submission).

Conditions:
Catecholaminergic polymorphic ventricular tachycardia (CVPT). Also called: Catecholamine-induced polymorphic ventricular tachycardia. Identifiers: Orphanet 3286, MedGen C5574922, MONDO:0017990.

Submission:

All of Us Research Program, National Institutes of Health
Classification: Uncertain significance for Catecholaminergic polymorphic ventricular tachycardia. Last evaluated: 2023-08-15. Review status: criteria provided, single submitter. Criteria: ACMG Guidelines, 2015. Collection method: clinical testing. Allele origin: germline. Inheritance: Autosomal dominant inheritance. Observed: 1 variant allele, 1 heterozygote.
Comment: This variant changes 1 nucleotide in exon 90 of the RYR2 gene, creating a premature translation stop signal. This variant is expected to result in an absent or non-functional protein product. To our knowledge, this variant has not been reported in individuals affected with cardiovascular disorders in the literature. This variant has been identified in 1/248542 chromosomes in the general population by the Genome Aggregation Database (gnomAD). The role of loss-of-function RYR2 truncation variants in cardiovascular disorders is not clearly understood. The available evidence is insufficient to determine the role of this variant in disease conclusively. Therefore, this variant is classified as a Variant of Uncertain Significance.

This study involves interpretation of variants in research participants for the purpose of population health screening. Participant phenotype was not available at the time of variant classification. Additional details can be found in publication PMID: 35346344, PMCID: PMC8962531

NM_001035.3(RYR2):c.12340C>T (p.Arg4114Ter)

Gene: RYR2 (ryanodine receptor 2; plus strand). Cytogenetic location: 1q43.
Variant type: single nucleotide variant.
Coding change: c.12340C>T on transcript NM_001035.3 (MANE Select); coding-DNA position 12340, C replaced by T.
Protein change: p.Arg4114Ter; replaces arginine 4114 with a stop codon.
Molecular consequence: nonsense.
Genome position (GRCh38, 1-based): chr1:237,784,052, C>T. VCF-style: chr1-237784052-C-T. GRCh37 (hg19) VCF-style: chr1-237947352-C-T.
Other names: short protein forms R4114*.
Identifiers: ClinVar variation 3069880 (VCV003069880.1), dbSNP rs1430428297, ClinGen allele CA345413005.
Genomic context (GRCh38, chr1:237,784,052, plus strand): 5'-ATCGGCTTCAACGTCGCCGTCCTTCTGACAAACCTCTCTGAGCACATGCCCAACGATACC[C>T]GACTTCAGACTTTTCTGGAATTAGCAGAGAGCGTCCTGAATTATTTCCAGCCCTTTCTGG-3'